The following is an entry in ClinVar:

ClinVar aggregate classification (germline): Uncertain significance (1 of 4 stars; one submission).

Conditions:
Marfan syndrome (MFS). Also called: FBN1-Related Marfan Syndrome; MARFAN SYNDROME, TYPE I; Marfan syndrome type 1; Marfan's syndrome; Marfan syndrome, classic. Identifiers: Orphanet 284963, Orphanet 558, MedGen C0024796, MONDO:0007947, OMIM 154700.
Familial thoracic aortic aneurysm and aortic dissection (TAAD). Also called: Thoracic aortic aneurysms and dissections. Identifiers: Orphanet 91387, MedGen C4707243, MONDO:0019625.

Submission:

Labcorp Genetics (formerly Invitae), Labcorp
Classification: Uncertain significance for Marfan syndrome; Familial thoracic aortic aneurysm and aortic dissection. Last evaluated: 2025-11-04. Review status: criteria provided, single submitter. Criteria: Invitae Variant Classification Sherloc (09022015). Collection method: clinical testing. Allele origin: germline.
Comment: This sequence change affects codon 1582 of the FBN1 mRNA. It is a 'silent' change, meaning that it does not change the encoded amino acid sequence of the FBN1 protein. It affects a nucleotide within the consensus splice site. This variant is not present in population databases (gnomAD no frequency). This variant has not been reported in the literature in individuals affected with FBN1-related conditions. Algorithms developed to predict the effect of sequence changes on RNA splicing suggest that this variant is not likely to affect RNA splicing. In summary, the available evidence is currently insufficient to determine the role of this variant in disease. Therefore, it has been classified as a Variant of Uncertain Significance.

NM_000138.5(FBN1):c.4746A>C (p.Thr1582=)

Gene: FBN1 (fibrillin 1; minus strand). Cytogenetic location: 15q21.1.
Variant type: single nucleotide variant.
Coding change: c.4746A>C on transcript NM_000138.5 (MANE Select); coding-DNA position 4746, A replaced by C.
Protein change: p.Thr1582=; no amino-acid change (threonine 1582 retained).
Molecular consequence: synonymous variant.
Genome position (GRCh38, 1-based): chr15:48,467,939, T>G on the plus strand (A>C on the coding strand, the complement: FBN1 is on the minus strand). VCF-style: chr15-48467939-T-G. GRCh37 (hg19) VCF-style: chr15-48760136-T-G.
Other names: c.4746A>C, p.Thr1582= (NM_001406716.1).
Identifiers: ClinVar variation 4786601 (VCV004786601.1).